The following is an entry in ClinVar:

NM_000112.4(SLC26A2):c.1252A>G (p.Met418Val)

Gene: SLC26A2 (solute carrier family 26 member 2; plus strand). Cytogenetic location: 5q32.
Variant type: single nucleotide variant.
Coding change: c.1252A>G on transcript NM_000112.4 (MANE Select); coding-DNA position 1252, A replaced by G.
Protein change: p.Met418Val; replaces methionine 418 with valine.
Molecular consequence: missense variant.
Genome position (GRCh38, 1-based): chr5:149,980,845, A>G. VCF-style: chr5-149980845-A-G. GRCh37 (hg19) VCF-style: chr5-149360408-A-G.
Other names: short protein forms M418V.
Identifiers: ClinVar variation 352026 (VCV000352026.7), dbSNP rs374309119, ClinGen allele CA3505410.

ClinVar aggregate classification (germline): Uncertain significance. Review status: criteria provided, multiple submitters, no conflicts (2 of 4 stars). 7 submissions from 3 submitters: Uncertain significance (7). Last evaluated 2025-05-20.

Conditions:
Multiple epiphyseal dysplasia type 4 (EDM4). Also called: MULTIPLE EPIPHYSEAL DYSPLASIA WITH BILAYERED PATELLAE; MULTIPLE EPIPHYSEAL DYSPLASIA WITH CLUBFOOT; MULTIPLE EPIPHYSEAL DYSPLASIA, AUTOSOMAL RECESSIVE; SLC26A2-Related Multiple Epiphyseal Dysplasia; Multiple Epiphyseal Dysplasia, Recessive. Identifiers: Orphanet 93307, MedGen C1847593, MONDO:0009189, OMIM 226900.
Achondrogenesis, type IB (ACG1B). Also called: Achondrogenesis Type 1B. Identifiers: Orphanet 932, Orphanet 93298, MedGen C0265274, MONDO:0010966, OMIM 600972.
Atelosteogenesis type II (AO2). Also called: NEONATAL OSSEOUS DYSPLASIA I; Neonatal osseous dysplasia 1; SLC26A2-Related Atelosteogenesis. Identifiers: Orphanet 56304, MedGen C1850554, MONDO:0009727, OMIM 256050.
Diastrophic dysplasia (DTD). Also called: Diastrophic dwarfism. Identifiers: Orphanet 628, MedGen C0220726, MONDO:0009107, OMIM 222600.
Inborn genetic diseases. Identifiers: MedGen C0950123, MeSH D030342.
Sulfate transporter-related osteochondrodysplasia. Also called: DTDST-related dysplasias. Identifiers: MedGen CN120497. Disease mechanism: loss of function.

Allele frequency attached by ClinVar (database versions not stated): gnomAD exomes below 0.00001 and 0.00001; TOPMed below 0.00001; ExAC 0.00001; gnomAD 0.00001; ESP Exome Variant Server 0.00008.

Submissions (7):

Ambry Genetics
Classification: Uncertain significance for Inborn genetic diseases. Last evaluated: 2025-05-20. Review status: criteria provided, single submitter. Criteria: Ambry Variant Classification Scheme 2023. Collection method: clinical testing. Allele origin: germline.

Labcorp Genetics (formerly Invitae), Labcorp
Classification: Uncertain significance for Atelosteogenesis type II; Multiple epiphyseal dysplasia type 4; Achondrogenesis, type IB; Diastrophic dysplasia. Last evaluated: 2022-06-09. Review status: criteria provided, single submitter. Criteria: Invitae Variant Classification Sherloc (09022015). Collection method: clinical testing. Allele origin: germline.
Comment: This sequence change replaces methionine, which is neutral and non-polar, with valine, which is neutral and non-polar, at codon 418 of the SLC26A2 protein (p.Met418Val). This variant is present in population databases (rs374309119, gnomAD 0.002%). This variant has not been reported in the literature in individuals affected with SLC26A2-related conditions. ClinVar contains an entry for this variant (Variation ID: 352026). Advanced modeling of protein sequence and biophysical properties (such as structural, functional, and spatial information, amino acid conservation, physicochemical variation, residue mobility, and thermodynamic stability) performed at Invitae indicates that this missense variant is expected to disrupt SLC26A2 protein function. In summary, the available evidence is currently insufficient to determine the role of this variant in disease. Therefore, it has been classified as a Variant of Uncertain Significance.

Illumina Laboratory Services, Illumina
Classification: Uncertain significance for Atelosteogenesis type II. Last evaluated: 2018-01-12. Review status: criteria provided, single submitter. Criteria: ICSL Variant Classification Criteria 13 December 2019. Collection method: clinical testing. Allele origin: germline.

Illumina Laboratory Services, Illumina
Classification: Uncertain significance for Achondrogenesis, type IB. Last evaluated: 2018-01-12. Review status: criteria provided, single submitter. Criteria: ICSL Variant Classification Criteria 13 December 2019. Collection method: clinical testing. Allele origin: germline.

Illumina Laboratory Services, Illumina
Classification: Uncertain significance for Diastrophic dysplasia. Last evaluated: 2018-01-12. Review status: criteria provided, single submitter. Criteria: ICSL Variant Classification Criteria 13 December 2019. Collection method: clinical testing. Allele origin: germline.

Illumina Laboratory Services, Illumina
Classification: Uncertain significance for Osteochondrodysplasia. Last evaluated: 2018-01-12. Review status: criteria provided, single submitter. Criteria: ICSL Variant Classification Criteria 13 December 2019. Collection method: clinical testing. Allele origin: germline.

Illumina Laboratory Services, Illumina
Classification: Uncertain significance for Multiple epiphyseal dysplasia type 4. Last evaluated: 2018-01-12. Review status: criteria provided, single submitter. Criteria: ICSL Variant Classification Criteria 13 December 2019. Collection method: clinical testing. Allele origin: germline.